The following is an entry in ClinVar:

ClinVar aggregate classification (germline): Uncertain significance. Review status: criteria provided, multiple submitters, no conflicts (2 of 4 stars). 2 submissions from 2 submitters: Uncertain significance (2). Last evaluated 2024-10-31.

Conditions:
Peroxisome biogenesis disorder, complementation group 7 (CG7). Also called: Peroxisome biogenesis disorder, complementation group B. Identifiers: MedGen C1864399.

Allele frequency attached by ClinVar (database versions not stated): gnomAD 0.00001; TOPMed 0.00001.
gnomAD v4.1: 6 of 1,613,952 alleles (0.00037%); highest among the groups gnomAD compares: Non-Finnish European, 0.00034%; no homozygotes.

Submissions (2):

Blueprint Genetics
Classification: Uncertain significance. Last evaluated: 2024-10-31. Review status: criteria provided, single submitter. Criteria: ACMG Guidelines, 2015. Collection method: clinical testing. Allele origin: germline.

Labcorp Genetics (formerly Invitae), Labcorp
Classification: Uncertain significance for Peroxisome biogenesis disorder, complementation group 7. Last evaluated: 2022-08-22. Review status: criteria provided, single submitter. Criteria: Invitae Variant Classification Sherloc (09022015). Collection method: clinical testing. Allele origin: germline.
Comment: This sequence change replaces valine, which is neutral and non-polar, with methionine, which is neutral and non-polar, at codon 79 of the PEX10 protein (p.Val79Met). This variant is not present in population databases (gnomAD no frequency). This variant has not been reported in the literature in individuals affected with PEX10-related conditions. Algorithms developed to predict the effect of missense changes on protein structure and function are either unavailable or do not agree on the potential impact of this missense change (SIFT: "Deleterious"; PolyPhen-2: "Probably Damaging"; Align-GVGD: "Class C0"). In summary, the available evidence is currently insufficient to determine the role of this variant in disease. Therefore, it has been classified as a Variant of Uncertain Significance.

NM_002617.4(PEX10):c.235G>A (p.Val79Met)

Gene: PEX10 (peroxisomal biogenesis factor 10; minus strand). Cytogenetic location: 1p36.32.
Variant type: single nucleotide variant.
Coding change: c.235G>A on transcript NM_002617.4 (MANE Select); coding-DNA position 235, G replaced by A.
Protein change: p.Val79Met; replaces valine 79 with methionine.
Molecular consequence: missense variant. On other transcripts: 5 prime UTR variant (2), non-coding transcript variant (1).
Genome position (GRCh38, 1-based): chr1:2,408,817, C>T on the plus strand (G>A on the coding strand, the complement: PEX10 is on the minus strand). VCF-style: chr1-2408817-C-T. GRCh37 (hg19) VCF-style: chr1-2340256-C-T.
Other names: c.235G>A, p.Val79Met (NM_001374425.1, NM_153818.2); c.-198G>A (NM_001374426.1, NM_001374427.1); short protein forms V79M.
Identifiers: ClinVar variation 2073159 (VCV002073159.2), dbSNP rs1411024903, ClinGen allele CA337989020.